The following is an entry in ClinVar:

NM_020937.4(FANCM):c.2881C>G (p.Leu961Val)

Gene: FANCM (FA complementation group M; plus strand). Cytogenetic location: 14q21.2.
Variant type: single nucleotide variant.
Coding change: c.2881C>G on transcript NM_020937.4 (MANE Select); coding-DNA position 2881, C replaced by G.
Protein change: p.Leu961Val; replaces leucine 961 with valine.
Molecular consequence: missense variant.
Genome position (GRCh38, 1-based): chr14:45,175,635, C>G. VCF-style: chr14-45175635-C-G. GRCh37 (hg19) VCF-style: chr14-45644838-C-G.
Other names: c.2803C>G, p.Leu935Val (NM_001308133.2); short protein forms L935V, L961V.
Identifiers: ClinVar variation 4254622 (VCV004254622.1).

ClinVar aggregate classification (germline): Uncertain significance (1 of 4 stars; one submission).

Conditions:
Inborn genetic diseases. Identifiers: MedGen C0950123, MeSH D030342.

gnomAD v4.1: 2 of 1,613,318 alleles (0.00012%); highest among the groups gnomAD compares: Non-Finnish European, 0.00017%; no homozygotes.

Submission:

Ambry Genetics
Classification: Uncertain significance for Inborn genetic diseases. Last evaluated: 2025-07-28. Review status: criteria provided, single submitter. Criteria: Ambry Variant Classification Scheme 2023. Collection method: clinical testing. Allele origin: germline.
Comment: The p.L961V variant (also known as c.2881C>G), located in coding exon 14 of the FANCM gene, results from a C to G substitution at nucleotide position 2881. The leucine at codon 961 is replaced by valine, an amino acid with highly similar properties. This amino acid position is conserved. In addition, this alteration is predicted to be tolerated by in silico analysis. Based on the available evidence, the clinical significance of this variant remains unclear.